The following is an entry in ClinVar:

NM_000443.4(ABCB4):c.3599A>C (p.Glu1200Ala)

Gene: ABCB4 (ATP binding cassette subfamily B member 4; minus strand). Cytogenetic location: 7q21.12.
Variant type: single nucleotide variant.
Coding change: c.3599A>C on transcript NM_000443.4 (MANE Select); coding-DNA position 3599, A replaced by C.
Protein change: p.Glu1200Ala; replaces glutamic acid 1200 with alanine.
Molecular consequence: missense variant.
Genome position (GRCh38, 1-based): chr7:87,403,169, T>G on the plus strand (A>C on the coding strand, the complement: ABCB4 is on the minus strand). VCF-style: chr7-87403169-T-G. GRCh37 (hg19) VCF-style: chr7-87032485-T-G.
Other names: c.3620A>C, p.Glu1207Ala (NM_018849.3); c.3458A>C, p.Glu1153Ala (NM_018850.3); short protein forms E1153A, E1200A, E1207A.
Identifiers: ClinVar variation 4846429 (VCV004846429.1).

ClinVar aggregate classification (germline): Uncertain significance (1 of 4 stars; one submission).

Conditions:
Low phospholipid associated cholelithiasis (GBD1). Also called: Gallbladder disease 1; Gallstone cholecystitis. Identifiers: Orphanet 69663, MedGen C2609268, MONDO:0010939, OMIM 600803.

Submission:

Genomenon, Inc
Classification: Uncertain significance for Low phospholipid associated cholelithiasis. Last evaluated: 2026-04-14. Review status: criteria provided, single submitter. Criteria: Genomenon Sequence Variant Interpretation Standards - Updated. Collection method: curation. Allele origin: germline. Affected: yes.
Comment: ABCB4 p.Glu1200Ala (c.3599A>C) is a missense variant that changes the amino acid at residue 1200 from Glutamic acid to Alanine. This variant has been observed in at least one proband with an ABCB4-related disorder (PMID:20422496). At least one functional study has demonstrated a substantial alteration in protein function relative to the wild-type (PMID:36674751). It is absent or not present at a significant frequency in gnomAD. In silico models predict that this variant is possibly or probably damaging. In conclusion, we classify ABCB4 p.Glu1200Ala (c.3599A>C) as a variant of uncertain significance.

Literature cited by the submitters: PubMed 20422496; PubMed 36674751.